The following is an entry in ClinVar:

ClinVar aggregate classification (germline): Uncertain significance. Review status: criteria provided, multiple submitters, no conflicts (2 of 4 stars). 2 submissions from 2 submitters: Uncertain significance (2). Last evaluated 2024-02-08.

Conditions:
Cardiac anomalies - developmental delay - facial dysmorphism syndrome (MRFACD). Also called: Impaired intellectual development and distinctive facial features with or without cardiac defects; MED13L Syndrome. Identifiers: Orphanet 369891, MedGen C5192431, MONDO:0014773, OMIM 616789.

Submissions (2):

Baylor Genetics
Classification: Uncertain significance for Cardiac anomalies - developmental delay - facial dysmorphism syndrome. Last evaluated: 2024-02-08. Review status: criteria provided, single submitter. Criteria: ACMG Guidelines, 2015. Collection method: clinical testing. Allele origin: unknown.

GeneDx
Classification: Uncertain significance. Last evaluated: 2022-06-21. Review status: criteria provided, single submitter. Criteria: GeneDx Variant Classification Process June 2021. Collection method: clinical testing. Allele origin: germline. Affected: yes.
Comment: Has not been previously published as pathogenic or benign to our knowledge; Not observed in large population cohorts (gnomAD); In silico analysis supports that this missense variant has a deleterious effect on protein structure/function

NM_015335.5(MED13L):c.4259A>G (p.Tyr1420Cys)

Gene: MED13L (mediator complex subunit 13L; minus strand). Cytogenetic location: 12q24.21.
Variant type: single nucleotide variant.
Coding change: c.4259A>G on transcript NM_015335.5 (MANE Select); coding-DNA position 4259, A replaced by G.
Protein change: p.Tyr1420Cys; replaces tyrosine 1420 with cysteine.
Molecular consequence: missense variant.
Genome position (GRCh38, 1-based): chr12:115,986,345, T>C on the plus strand (A>G on the coding strand, the complement: MED13L is on the minus strand). VCF-style: chr12-115986345-T-C. GRCh37 (hg19) VCF-style: chr12-116424150-T-C.
Other names: short protein forms Y1420C.
Identifiers: ClinVar variation 1693107 (VCV001693107.3), dbSNP rs2137286817, ClinGen allele CA386884497.